The following is an entry in ClinVar:

NM_178862.3(STT3B):c.778-3T>C

Gene: STT3B (STT3 oligosaccharyltransferase complex catalytic subunit B; plus strand). Cytogenetic location: 3p23.
Variant type: single nucleotide variant.
Coding change: c.778-3T>C on transcript NM_178862.3 (MANE Select); 3 bases into the intron before coding-DNA position 778, T replaced by C.
Molecular consequence: intron variant.
Genome position (GRCh38, 1-based): chr3:31,600,357, T>C. VCF-style: chr3-31600357-T-C. GRCh37 (hg19) VCF-style: chr3-31641849-T-C.
Identifiers: ClinVar variation 2913533 (VCV002913533.3), dbSNP rs200307794, ClinGen allele CA2295036.

ClinVar aggregate classification (germline): Uncertain significance (1 of 4 stars; one submission).

Conditions:
STT3B-congenital disorder of glycosylation. Also called: Congenital disorder of glycosylation type 1x; CDG Ix; STT3B-CDG. Identifiers: Orphanet 370924, MedGen C2931007, MONDO:0014271, OMIM 615597.

Allele frequency attached by ClinVar (database versions not stated): gnomAD exomes 0.00003; TOPMed 0.00003; gnomAD 0.00004; 1000 Genomes Project 0.00020; ExAC 0.00003; 1000 Genomes Project 30x 0.00016.
gnomAD v4.1: 41 of 1,430,756 alleles (0.0029%); highest among the groups gnomAD compares: Middle Eastern, 0.02%; no homozygotes.

Submission:

Labcorp Genetics (formerly Invitae), Labcorp
Classification: Uncertain significance for STT3B-congenital disorder of glycosylation. Last evaluated: 2025-10-21. Review status: criteria provided, single submitter. Criteria: Invitae Variant Classification Sherloc (09022015). Collection method: clinical testing. Allele origin: germline.
Comment: This sequence change falls in intron 4 of the STT3B gene. It does not directly change the encoded amino acid sequence of the STT3B protein. It affects a nucleotide within the consensus splice site. This variant is present in population databases (rs200307794, gnomAD 0.03%). This variant has not been reported in the literature in individuals affected with STT3B-related conditions. ClinVar contains an entry for this variant (Variation ID: 2913533). Variants that disrupt the consensus splice site are a relatively common cause of aberrant splicing (PMID: 17576681, 9536098). Algorithms developed to predict the effect of sequence changes on RNA splicing suggest that this variant is not likely to affect RNA splicing. In summary, the available evidence is currently insufficient to determine the role of this variant in disease. Therefore, it has been classified as a Variant of Uncertain Significance.

Literature cited by the submitters: PubMed 17576681; PubMed 9536098.